The following is an entry in ClinVar:

NC_000023.10:g.(?_31838072)_(31854956_?)del

Gene: DMD (dystrophin; minus strand). Cytogenetic location: Xp21.1.
Variant type: Deletion.
Identifiers: ClinVar variation 1072241 (VCV001072241.7).

ClinVar aggregate classification (germline): Pathogenic (1 of 4 stars; one submission).

Conditions:
Duchenne muscular dystrophy (DMD). Also called: MUSCULAR DYSTROPHY, PSEUDOHYPERTROPHIC PROGRESSIVE, DUCHENNE TYPE; Duchenne Muscular Dystrophy (DMD). Identifiers: Orphanet 98896, MedGen C0013264, MONDO:0010679, OMIM 310200.

Submission:

Labcorp Genetics (formerly Invitae), Labcorp
Classification: Pathogenic for Duchenne muscular dystrophy. Last evaluated: 2024-01-19. Review status: criteria provided, single submitter. Criteria: Invitae Variant Classification Sherloc (09022015). Collection method: clinical testing. Allele origin: germline.
Comment: This variant is a gross deletion of the genomic region encompassing exon(s) 49-50 of the DMD gene. This deletion is out-of-frame, and is expected to create a premature termination codon and result in an absent or disrupted protein product. Loss-of-function variants in DMD are known to be pathogenic (PMID: 16770791, 25007885). A similar copy number variant has been observed in individuals with DMD-related conditions (PMID: 9544849, 9619643, 14977063, 15723292, 16030524, 22090376, 22510846, 26911353). For these reasons, this variant has been classified as Pathogenic.

Literature cited by the submitters: PubMed 16770791; PubMed 25007885; PubMed 9544849; PubMed 9619643; PubMed 14977063; PubMed 15723292; PubMed 16030524; PubMed 22090376; PubMed 22510846; PubMed 26911353.